The following is an entry in ClinVar:

ClinVar aggregate classification (germline): Conflicting classifications of pathogenicity. Review status: criteria provided, conflicting classifications (1 of 4 stars). 4 submissions from 4 submitters: Uncertain significance (1); Likely benign (3). Last evaluated 2026-01-06.

Conditions:
FAT4-related disorder. Also called: FAT4-related condition.

Allele frequency attached by ClinVar (database versions not stated): gnomAD exomes 0.00013; ExAC 0.00015; 1000 Genomes Project 0.00020; 1000 Genomes Project 30x 0.00031; gnomAD 0.00035; ESP Exome Variant Server 0.00062; TOPMed 0.00068.
gnomAD v4.1: 163 of 1,613,806 alleles (0.01%); highest among the groups gnomAD compares: African/African-American, 0.19%; no homozygotes.

Submissions (4):

Labcorp Genetics (formerly Invitae), Labcorp
Classification: Likely benign. Last evaluated: 2026-01-06. Review status: criteria provided, single submitter. Criteria: Invitae Variant Classification Sherloc (09022015). Collection method: clinical testing. Allele origin: germline.

PreventionGenetics, part of Exact Sciences
Classification: Likely benign for FAT4-related condition. Last evaluated: 2024-11-21. Review status: criteria provided, single submitter. Criteria: ACMG Guidelines, 2015. Collection method: clinical testing. Allele origin: germline.
Comment: This variant is classified as likely benign based on ACMG/AMP sequence variant interpretation guidelines (Richards et al. 2015 PMID: 25741868, with internal and published modifications).

Blueprint Genetics
Classification: Likely benign. Last evaluated: 2023-12-27. Review status: criteria provided, single submitter. Criteria: ACMG Guidelines, 2015. Collection method: clinical testing. Allele origin: germline.

Eurofins Ntd Llc (ga)
Classification: Uncertain significance. Last evaluated: 2018-01-19. Review status: criteria provided, single submitter. Criteria: EGL Classification Definitions 2015. Collection method: clinical testing. Allele origin: germline.

NM_001291303.3(FAT4):c.5367C>T (p.Ile1789=)

Gene: FAT4 (FAT atypical cadherin 4; plus strand). Cytogenetic location: 4q28.1.
Variant type: single nucleotide variant.
Coding change: c.5367C>T on transcript NM_001291303.3 (MANE Select); coding-DNA position 5367, C replaced by T.
Protein change: p.Ile1789=; no amino-acid change (isoleucine 1789 retained).
Molecular consequence: synonymous variant.
Genome position (GRCh38, 1-based): chr4:125,406,939, C>T. VCF-style: chr4-125406939-C-T. GRCh37 (hg19) VCF-style: chr4-126328094-C-T.
Other names: c.5367C>T, p.Ile1789= (NM_001291285.3, NM_024582.6).
Identifiers: ClinVar variation 595631 (VCV000595631.15), dbSNP rs144922340, ClinGen allele CA3072699.